The following is an entry in ClinVar:

NM_001177676.2(GPR68):c.870C>T (p.Ser290=)

Gene: GPR68 (G protein-coupled receptor 68; minus strand). Cytogenetic location: 14q32.11.
Variant type: single nucleotide variant.
Coding change: c.870C>T on transcript NM_001177676.2 (MANE Select); coding-DNA position 870, C replaced by T.
Protein change: p.Ser290=; no amino-acid change (serine 290 retained).
Molecular consequence: synonymous variant.
Genome position (GRCh38, 1-based): chr14:91,234,181, G>A on the plus strand (C>T on the coding strand, the complement: GPR68 is on the minus strand). VCF-style: chr14-91234181-G-A. GRCh37 (hg19) VCF-style: chr14-91700525-G-A.
Other names: c.870C>T, p.Ser290= (NM_001348437.1, NM_003485.3).
Identifiers: ClinVar variation 3038180 (VCV003038180.2), dbSNP rs117875989, ClinGen allele CA7308282.

ClinVar aggregate classification (germline): Likely benign (0 of 4 stars; one submission).

Conditions:
GPR68-related disorder. Also called: GPR68-related condition.

Allele frequency attached by ClinVar (database versions not stated): 1000 Genomes Project 30x 0.00047; 1000 Genomes Project 0.00060; TOPMed 0.00159; gnomAD 0.00179; ESP Exome Variant Server 0.00195; gnomAD exomes 0.00232; ExAC 0.00238.

Submission:

PreventionGenetics, part of Exact Sciences
Classification: Likely benign for GPR68-related condition. Last evaluated: 2020-03-09. Review status: no assertion criteria provided. Collection method: clinical testing. Allele origin: germline.
Comment: This variant is classified as likely benign based on ACMG/AMP sequence variant interpretation guidelines (Richards et al. 2015 PMID: 25741868, with internal and published modifications).